The following is an entry in ClinVar:

ClinVar aggregate classification (germline): Uncertain significance (1 of 4 stars; one submission).

Submission:

GeneDx
Classification: Uncertain significance. Last evaluated: 2024-03-05. Review status: criteria provided, single submitter. Criteria: GeneDx Variant Classification Process June 2021. Collection method: clinical testing. Allele origin: germline. Affected: yes.
Comment: Not observed at significant frequency in large population cohorts (gnomAD); In silico analysis supports that this missense variant does not alter protein structure/function; Has not been previously published as pathogenic or benign to our knowledge

NM_000744.7(CHRNA4):c.1126C>T (p.His376Tyr)

Gene: CHRNA4 (cholinergic receptor nicotinic alpha 4 subunit; minus strand). Cytogenetic location: 20q13.33.
Variant type: single nucleotide variant.
Coding change: c.1126C>T on transcript NM_000744.7 (MANE Select); coding-DNA position 1126, C replaced by T.
Protein change: p.His376Tyr; replaces histidine 376 with tyrosine.
Molecular consequence: missense variant. On other transcripts: non-coding transcript variant (1).
Genome position (GRCh38, 1-based): chr20:63,350,285, G>A on the plus strand (C>T on the coding strand, the complement: CHRNA4 is on the minus strand). VCF-style: chr20-63350285-G-A. GRCh37 (hg19) VCF-style: chr20-61981637-G-A.
Other names: c.598C>T, p.His200Tyr (NM_001256573.2); short protein forms H200Y, H376Y.
Identifiers: ClinVar variation 3373682 (VCV003373682.1).
Genomic context (GRCh38, chr20:63,350,285, plus strand): 5'-TCGTGGCAGGGGGCTCCCCTTCTGGCTCGGGCCAGAAGCGCGGGGCACTGGCCATCTTAT[G>A]CATGGACTCGATGAGCCGCCGGCAATTGTCCTTGACCACGGACGGCCGCTTCATGAGGAG-3'
Protein context (NP_000735.1, residues 366-386): DNCRRLIESM[His376Tyr]KMASAPRFWP